The following is an entry in ClinVar:

NM_005359.6(SMAD4):c.1521A>G (p.Lys507=)

Gene: SMAD4 (SMAD family member 4; plus strand). Cytogenetic location: 18q21.2.
Variant type: single nucleotide variant.
Coding change: c.1521A>G on transcript NM_005359.6 (MANE Select); coding-DNA position 1521, A replaced by G.
Protein change: p.Lys507=; no amino-acid change (lysine 507 retained).
Molecular consequence: synonymous variant.
Genome position (GRCh38, 1-based): chr18:51,078,329, A>G. VCF-style: chr18-51078329-A-G. GRCh37 (hg19) VCF-style: chr18-48604699-A-G.
Identifiers: ClinVar variation 819427 (VCV000819427.13), dbSNP rs1599205337, ClinGen allele CA503874003.
Genomic context (GRCh38, chr18:51,078,329, plus strand): 5'-TGCTGGAATTGGTGTTGATGACCTTCGTCGCTTATGCATACTCAGGATGAGTTTTGTGAA[A>G]GGCTGGGGACCGGATTACCCAAGACAGAGCATCAAAGAAACACCTTGCTGGATTGAAATT-3'
Protein context (NP_005350.1, residues 497-517): RLCILRMSFV[Lys507=]GWGPDYPRQS

ClinVar aggregate classification (germline): Benign/Likely benign. Review status: criteria provided, multiple submitters, no conflicts (2 of 4 stars). 3 submissions from 3 submitters: Benign (1); Likely benign (2). Last evaluated 2025-08-24.

Conditions:
Familial thoracic aortic aneurysm and aortic dissection (TAAD). Also called: Thoracic aortic aneurysms and dissections. Identifiers: Orphanet 91387, MedGen C4707243, MONDO:0019625.
Hereditary cancer-predisposing syndrome. Also called: Neoplastic Syndromes, Hereditary; Hereditary neoplastic syndrome; Hereditary Cancer Syndrome; Tumor predisposition. Identifiers: Orphanet 140162, MedGen C0027672, MeSH D009386, MONDO:0015356.
Juvenile polyposis syndrome (JPS). Identifiers: Orphanet 2929, MedGen C0345893, MONDO:0017380, OMIM 174900.
Juvenile polyposis/hereditary hemorrhagic telangiectasia syndrome (JPHT). Also called: JP/HHT SYNDROME; JUVENILE POLYPOSIS WITH HEREDITARY HEMORRHAGIC TELANGIECTASIA; POLYPOSIS, GENERALIZED JUVENILE, WITH PULMONARY ARTERIOVENOUS MALFORMATION; TELANGIECTASIA, HEREDITARY HEMORRHAGIC, WITH JUVENILE POLYPOSIS COLI; Juvenile Polyposis Syndrome / Hereditary Hemorrhagic Telangiectasia (JPS/HHT). Identifiers: Orphanet 2929, MedGen C1832942, MONDO:0008278, OMIM 175050.

Submissions (3):

Labcorp Genetics (formerly Invitae), Labcorp
Classification: Likely benign for Juvenile polyposis syndrome. Last evaluated: 2025-08-24. Review status: criteria provided, single submitter. Criteria: Invitae Variant Classification Sherloc (09022015). Collection method: clinical testing. Allele origin: germline.

Myriad Genetics, Inc.
Classification: Benign for Juvenile polyposis/hereditary hemorrhagic telangiectasia syndrome. Last evaluated: 2025-03-24. Review status: criteria provided, single submitter. Criteria: Myriad Autosomal Dominant, Autosomal Recessive and X-Linked Classification Criteria (2023). Collection method: clinical testing. Allele origin: unknown.
Comment: This variant is considered benign. This variant is a silent/synonymous amino acid change and it is not expected to impact splicing.

Ambry Genetics
Classification: Likely benign for Hereditary cancer-predisposing syndrome; Familial thoracic aortic aneurysm and aortic dissection. Last evaluated: 2019-11-25. Review status: criteria provided, single submitter. Criteria: Ambry Variant Classification Scheme 2023. Collection method: clinical testing. Allele origin: germline.